The following is an entry in ClinVar:

NM_015450.3(POT1):c.1244A>G (p.Asn415Ser)

Gene: POT1 (protection of telomeres 1; minus strand). Cytogenetic location: 7q31.33.
Variant type: single nucleotide variant.
Coding change: c.1244A>G on transcript NM_015450.3 (MANE Select); coding-DNA position 1244, A replaced by G.
Protein change: p.Asn415Ser; replaces asparagine 415 with serine.
Molecular consequence: missense variant. On other transcripts: non-coding transcript variant (3).
Genome position (GRCh38, 1-based): chr7:124,841,098, T>C on the plus strand (A>G on the coding strand, the complement: POT1 is on the minus strand). VCF-style: chr7-124841098-T-C. GRCh37 (hg19) VCF-style: chr7-124481152-T-C.
Other names: c.851A>G, p.Asn284Ser (NM_001042594.2); short protein forms N284S, N415S.
Identifiers: ClinVar variation 1718712 (VCV001718712.8), dbSNP rs2485395031, ClinGen allele CA369067465.

ClinVar aggregate classification (germline): Uncertain significance. Review status: criteria provided, multiple submitters, no conflicts (2 of 4 stars). 2 submissions from 2 submitters: Uncertain significance (2). Last evaluated 2022-10-25.

Conditions:
Tumor predisposition syndrome 3 (TPDS3). Also called: Melanoma, cutaneous malignant, susceptibility to, 10; Glioma susceptibility 9; LONG TELOMERE SYNDROME, POT1-RELATED; POT1 Tumor Predisposition. Identifiers: Orphanet 618, MedGen C4014476, MONDO:0014368, OMIM 615848.
Hereditary cancer-predisposing syndrome. Also called: Hereditary Cancer Syndrome; Hereditary neoplastic syndrome; Neoplastic Syndromes, Hereditary; Tumor predisposition. Identifiers: Orphanet 140162, MedGen C0027672, MeSH D009386, MONDO:0015356.

Submissions (2):

Labcorp Genetics (formerly Invitae), Labcorp
Classification: Uncertain significance for Tumor predisposition syndrome 3. Last evaluated: 2022-10-25. Review status: criteria provided, single submitter. Criteria: Invitae Variant Classification Sherloc (09022015). Collection method: clinical testing. Allele origin: germline.
Comment: In summary, the available evidence is currently insufficient to determine the role of this variant in disease. Therefore, it has been classified as a Variant of Uncertain Significance. Advanced modeling of protein sequence and biophysical properties (such as structural, functional, and spatial information, amino acid conservation, physicochemical variation, residue mobility, and thermodynamic stability) performed at Invitae indicates that this missense variant is not expected to disrupt POT1 protein function. This variant has not been reported in the literature in individuals affected with POT1-related conditions. This variant is not present in population databases (gnomAD no frequency). This sequence change replaces asparagine, which is neutral and polar, with serine, which is neutral and polar, at codon 415 of the POT1 protein (p.Asn415Ser).

Ambry Genetics
Classification: Uncertain significance for Hereditary cancer-predisposing syndrome. Last evaluated: 2022-02-08. Review status: criteria provided, single submitter. Criteria: Ambry Variant Classification Scheme 2023. Collection method: clinical testing. Allele origin: germline.
Comment: The p.N415S variant (also known as c.1244A>G), located in coding exon 10 of the POT1 gene, results from an A to G substitution at nucleotide position 1244. The asparagine at codon 415 is replaced by serine, an amino acid with highly similar properties. This amino acid position is conserved. In addition, this alteration is predicted to be tolerated by in silico analysis. Since supporting evidence is limited at this time, the clinical significance of this alteration remains unclear.